The following is an entry in ClinVar:

NM_000027.4(AGA):c.385_394+15del

Gene: AGA (aspartylglucosaminidase; minus strand). Cytogenetic location: 4q34.3.
Variant type: Deletion.
Coding change: c.385_394+15del on transcript NM_000027.4 (MANE Select); coding-DNA position 385 through 15 bases into the intron after coding-DNA position 394, 25 bases deleted (GGAGAGTCAGGTATTTTTTTAACTA).
Molecular consequence: splice donor variant.
Genome position (GRCh38, 1-based): chr4:177,439,561-177,439,585, TAGTTAAAAAAATACCTGACTCTCC deleted on the plus strand (GGAGAGTCAGGTATTTTTTTAACTA on the coding strand, the reverse complement: AGA is on the minus strand); deleting any 25 consecutive bases within chr4:177,439,561-177,439,587 gives the same sequence; the c. name uses the placement nearest the transcript's 3' end. VCF-style (leftmost placement, unchanged base first): chr4-177439560-GTAGTTAAAAAAATACCTGACTCTCC-G. GRCh37 (hg19) VCF-style: chr4-178360714-GTAGTTAAAAAAATACCTGACTCTCC-G.
Other names: c.385_394+15del (NM_001171988.2).
Identifiers: ClinVar variation 3590454 (VCV003590454.2).

ClinVar aggregate classification (germline): Likely pathogenic. Review status: criteria provided, multiple submitters, no conflicts (2 of 4 stars). 2 submissions from 2 submitters: Likely pathogenic (2). Last evaluated 2025-09-09.

Conditions:
Aspartylglucosaminuria (AGU). Also called: AGA DEFICIENCY; GLYCOASPARAGINASE; GLYCOSYLASPARAGINASE DEFICIENCY; Aspartylglucos-aminuria; Aspartylglucos-amidase (AGA) deficiency. Identifiers: Orphanet 93, MedGen C0268225, MONDO:0008830, OMIM 208400, HP:0012068.

Submissions (2):

Myriad Genetics, Inc.
Classification: Likely pathogenic for Aspartylglucosaminuria. Last evaluated: 2025-09-09. Review status: criteria provided, single submitter. Criteria: Myriad Autosomal Dominant, Autosomal Recessive and X-Linked Classification Criteria (2023). Collection method: clinical testing. Allele origin: unknown.
Comment: NM_000027.3(AGA):c.385_394+15del25 is a variant in a canonical splice site classified as likely pathogenic in the context of aspartylglucosaminuria. c.385_394+15del25 has not been observed in cases with relevant disease. Relevant functional assessments of this variant are not available in the literature. c.385_394+15del25 has not been observed in referenced population frequency databases. In summary, NM_000027.3(AGA):c.385_394+15del25 is a variant in a canonical splice site in a gene where loss of function is a known mechanism of disease and is predicted to disrupt protein function. Please note: this variant was assessed in the context of healthy population screening.

Fulgent Genetics
Classification: Likely pathogenic for Aspartylglucosaminuria. Last evaluated: 2024-06-18. Review status: criteria provided, single submitter. Criteria: ACMG Guidelines, 2015. Collection method: clinical testing. Allele origin: germline.